The following continues an entry in ClinVar:

NM_000059.4(BRCA2):c.9382C>T (p.Arg3128Ter)

Gene: BRCA2. ClinVar aggregate classification (germline): Pathogenic. Pathogenic (1). ClinVar aggregate classification (somatic clinical impact): Tier II - Potential.

Submissions 35 to 60 of 61:

Mendelics
Classification: Pathogenic for Hereditary breast and ovarian cancer syndrome. Last evaluated: 2018-07-02. Review status: criteria provided, single submitter. Criteria: Mendelics Assertion Criteria 2017. Collection method: clinical testing. Allele origin: unknown. Not counted in ClinVar's aggregate classification.

Human Genome Sequencing Center Clinical Lab, Baylor College of Medicine
Classification: Pathogenic for Breast-ovarian cancer, familial, susceptibility to, 2. Last evaluated: 2018-02-06. Review status: criteria provided, single submitter. Criteria: ACMG Guidelines, 2015. Collection method: clinical testing. Allele origin: germline. Not counted in ClinVar's aggregate classification.
Comment: This c.9382C>T (p.R3128*) missense variant is predicted to result in a premature stop codon and has been reported in multiple individuals with breast, ovarian, and prostate cancer (PMID: 10978364, 24156927, 16683254, 24916970, 15168169, 11400546, 16905680, 24728189, 24556621, 20736950). Therefore, the c.9382C>T (p.R3128*) variant in the BRCA2 gene is classified as pathogenic.

Women's Health and Genetics/Laboratory Corporation of America, LabCorp
Classification: Pathogenic for Hereditary breast ovarian cancer syndrome. Last evaluated: 2017-08-14. Review status: criteria provided, single submitter. Criteria: LabCorp Variant Classification Summary - May 2015. Collection method: clinical testing. Allele origin: germline. Not counted in ClinVar's aggregate classification.
Comment: Variant summary: The BRCA2 c.9382C>T (p.Arg3128X) variant results in a premature termination codon, predicted to cause a truncated or absent BRCA2 protein due to nonsense mediated decay, which are commonly known mechanisms for disease. Truncations downstream of this position have been classified as pathogenic by our laboratory (e.g., c.9403delC [p.Leu3135fsX28], c.9435_9436delGT [p.Ser3147fsX2], and c.9672dupA [p.Tyr3225fsX30]). This variant was found in the large control database ExAC at a frequency of 0.0000165 (2/121360 control chromosomes), which does not exceed the estimated maximal expected allele frequency of a pathogenic BRCA2 variant (0.0007503). The variant has been reported in multiple affected individuals and was shown to segregate with the disease in multiple HBOC families. In addition, multiple clinical diagnostic laboratories/reputable databases classified this variant as pathogenic. Taken together, this variant is classified as pathogenic.

Bioinformatics dept., Datar Cancer Genetics Limited, India
Classification: Pathogenic for Breast-ovarian cancer, familial, susceptibility to, 2. Last evaluated: 2017-07-19. Review status: criteria provided, single submitter. Criteria: ACMG Guidelines, 2015. Collection method: clinical testing. Allele origin: germline. Inheritance: Autosomal dominant inheritance. Observed: 1 variant allele, 1 heterozygote. Not counted in ClinVar's aggregate classification.

Department of Pathology and Molecular Medicine, Queen's University
Classification: Pathogenic for Hereditary breast ovarian cancer syndrome. Last evaluated: 2017-04-20. Review status: criteria provided, single submitter. Criteria: ACMG Guidelines, 2015. Collection method: clinical testing. Allele origin: germline. Study: The Canadian Open Genetics Repository (COGR). Not counted in ClinVar's aggregate classification.

Genologica Medica
Classification: Pathogenic for Breast-ovarian cancer, familial, susceptibility to, 2. Last evaluated: 2017-01-01. Review status: criteria provided, single submitter. Criteria: ACMG Guidelines, 2015. Collection method: clinical testing. Allele origin: germline. Affected: yes. Not counted in ClinVar's aggregate classification.

Molecular Genetics Laboratory, University of Michigan
Classification: Pathogenic for Breast-ovarian cancer, familial, susceptibility to, 2. Last evaluated: 2016-04-21. Review status: criteria provided, single submitter. Criteria: ACMG Guidelines, 2015. Collection method: clinical testing. Allele origin: germline. Affected: yes. Not counted in ClinVar's aggregate classification.

Laboratory of Molecular Diagnosis of Cancer, West China Hospital, Sichuan University
Classification: Pathogenic for Breast neoplasm. Last evaluated: 2015-11-01. Review status: criteria provided, single submitter. Criteria: ACMG Guidelines, 2015. Collection method: research. Allele origin: germline. Affected: yes. Observed: 1 variant allele. Not counted in ClinVar's aggregate classification.

Consortium of Investigators of Modifiers of BRCA1/2 (CIMBA), c/o University of Cambridge
Classification: Pathogenic for Breast-ovarian cancer, familial, susceptibility to, 2. Last evaluated: 2015-10-02. Review status: criteria provided, single submitter. Criteria: CIMBA Mutation Classification guidelines May 2016. Collection method: clinical testing. Allele origin: germline. Not counted in ClinVar's aggregate classification.

Clinical Genetics DNA and cytogenetics Diagnostics Lab, Erasmus MC, Erasmus Medical Center
Classification: Pathogenic for Breast-ovarian cancer, familial, susceptibility to, 2. Last evaluated: 2015-09-21. Review status: criteria provided, single submitter. Criteria: ACGS Guidelines, 2013. Collection method: clinical testing. Allele origin: germline. Affected: yes. Study: VKGL Data-share Consensus. Not counted in ClinVar's aggregate classification.

Department of Medical Genetics, Oslo University Hospital
Classification: Pathogenic for Breast-ovarian cancer, familial, susceptibility to, 2. Last evaluated: 2015-07-01. Review status: criteria provided, single submitter. Criteria: ACMG Guidelines, 2015. Collection method: clinical testing. Allele origin: germline. Affected: yes. Observed: 1 variant allele. Not counted in ClinVar's aggregate classification.

Genome Diagnostics Laboratory, University Medical Center Utrecht
Classification: Pathogenic for Breast-ovarian cancer, familial, susceptibility to, 2. Last evaluated: 2014-10-08. Review status: criteria provided, single submitter. Criteria: ACGS Guidelines, 2013. Collection method: clinical testing. Allele origin: germline. Affected: yes. Study: VKGL Data-share Consensus. Not counted in ClinVar's aggregate classification.

Eurofins Ntd Llc (ga)
Classification: Pathogenic. Last evaluated: 2014-04-15. Review status: criteria provided, single submitter. Criteria: EGL Classification Definitions 2015. Collection method: clinical testing. Allele origin: germline. Observed: 1 variant allele, 1 heterozygote. Not counted in ClinVar's aggregate classification.

Clinical and Functional Genomics Group, A.C.Camargo Cancer Center
Classification: Pathogenic for Breast Cancer. Review status: criteria provided, single submitter. Criteria: Silva et al. (BMC Med Genet. 2014). Collection method: research. Allele origin: germline. Affected: yes. Not counted in ClinVar's aggregate classification.

Laboratory for Genotyping Development, RIKEN
Classification: Pathogenic for Gastric cancer. Last evaluated: 2021-07-01. Review status: no assertion criteria provided. Collection method: research. Allele origin: germline. Not counted in ClinVar's aggregate classification.

Molecular Oncology, Hospital Universitario Central de Asturias (HUCA)
Classification: Pathogenic for Breast-ovarian cancer, familial, susceptibility to, 2. Last evaluated: 2021-05-24. Review status: no assertion criteria provided. Collection method: case-control. Allele origin: germline. Affected: yes. Not counted in ClinVar's aggregate classification.

BRCAlab, Lund University
Classification: Pathogenic for Breast-ovarian cancer, familial, susceptibility to, 2. Last evaluated: 2020-03-02. Review status: no assertion criteria provided. Collection method: clinical testing. Allele origin: germline. Affected: yes. Not counted in ClinVar's aggregate classification.

CZECANCA consortium
Classification: Pathogenic for Breast and/or ovarian cancer. Last evaluated: 2019-06-11. Review status: no assertion criteria provided. Collection method: clinical testing. Allele origin: germline. Affected: yes. Observed: 1 variant allele. Not counted in ClinVar's aggregate classification.

Counsyl
Classification: Pathogenic for Breast-ovarian cancer, familial, susceptibility to, 2. Last evaluated: 2015-07-28. Review status: no assertion criteria provided. Collection method: clinical testing. Allele origin: unknown. Not counted in ClinVar's aggregate classification.

Institute of Human Genetics, Medical University Innsbruck
Classification: Pathogenic for Breast-ovarian cancer, familial 2. Last evaluated: 2015-02-11. Review status: no assertion criteria provided. Criteria: clinical testing. Collection method: clinical testing. Allele origin: germline. Affected: yes. Study: BRCA-Tyrol. Not counted in ClinVar's aggregate classification.
Comment: BRCA-mutation spectrum Western Austria

Research Molecular Genetics Laboratory, Women's College Hospital, University of Toronto
Classification: Pathogenic for Hereditary breast ovarian cancer syndrome. Last evaluated: 2014-01-31. Review status: no assertion criteria provided. Collection method: research. Allele origin: germline. Affected: yes. Study: The Canadian Open Genetics Repository (COGR). Not counted in ClinVar's aggregate classification.

Sharing Clinical Reports Project (SCRP)
Classification: Pathogenic for Breast-ovarian cancer, familial 2. Last evaluated: 2013-01-23. Review status: no assertion criteria provided. Collection method: clinical testing. Allele origin: germline. Not counted in ClinVar's aggregate classification.

Foulkes Cancer Genetics LDI, Lady Davis Institute for Medical Research
Classification: Pathogenic for Breast and/or ovarian cancer. Last evaluated: 2008-07-17. Review status: no assertion criteria provided. Collection method: clinical testing. Allele origin: germline. Study: The Canadian Open Genetics Repository (COGR). Not counted in ClinVar's aggregate classification.

Breast Cancer Information Core (BIC) (BRCA2)
Classification: Pathogenic for Breast-ovarian cancer, familial 2. Last evaluated: 2002-05-29. Review status: no assertion criteria provided. Collection method: clinical testing. Allele origin: germline. Affected: yes. Observed: 50 variant alleles. Not counted in ClinVar's aggregate classification.

Department of Pathology and Laboratory Medicine, Sinai Health System
Classification: Pathogenic. Review status: no assertion criteria provided. Collection method: clinical testing. Allele origin: unknown. Affected: yes. Study: The Canadian Open Genetics Repository (COGR). Not counted in ClinVar's aggregate classification.
Comment: The BRCA2 p.Arg3128* variant leads to a premature stop codon at position 3128, which is predicted to lead to a truncated or absent protein and loss of function. Loss of function variants are an established mechanism of disease for the BRCA2 gene. This variant has been previously reported in the literature in numerous publications in multiple individuals (>50) with breast, ovarian and prostate cancer and is recognized as a pathogenic variant (selected publications: Adams 2011, Vogel 2007, Sugano 2008, Edwards 2010). In summary, based on the above information, this variant meets our laboratoryâ€šÃ„Ã´s criteria to be classified as pathogenic.

Diagnostic Laboratory, Department of Genetics, University Medical Center Groningen
Classification: Pathogenic for Breast-ovarian cancer, familial, susceptibility to, 2. Review status: no assertion criteria provided. Collection method: clinical testing. Allele origin: germline. Affected: yes. Study: VKGL Data-share Consensus. Not counted in ClinVar's aggregate classification.